The following is an entry in ClinVar:

NM_022765.4(MICAL1):c.557C>T (p.Pro186Leu)

Gene: MICAL1 (microtubule associated monooxygenase, calponin and LIM domain containing 1; minus strand). Cytogenetic location: 6q21.
Variant type: single nucleotide variant.
Coding change: c.557C>T on transcript NM_022765.4 (MANE Select); coding-DNA position 557, C replaced by T.
Protein change: p.Pro186Leu; replaces proline 186 with leucine.
Molecular consequence: missense variant.
Genome position (GRCh38, 1-based): chr6:109,453,277, G>A on the plus strand (C>T on the coding strand, the complement: MICAL1 is on the minus strand). VCF-style: chr6-109453277-G-A. GRCh37 (hg19) VCF-style: chr6-109774480-G-A.
Other names: c.557C>T, p.Pro186Leu (NM_001159291.2); c.614C>T, p.Pro205Leu (NM_001286613.2); short protein forms P205L, P186L.
Identifiers: ClinVar variation 1922300 (VCV001922300.5), dbSNP rs762703272, ClinGen allele CA3953740.

ClinVar aggregate classification (germline): Uncertain significance (1 of 4 stars; one submission).

Allele frequency attached by ClinVar (database versions not stated): ExAC 0.00001; gnomAD 0.00001; TOPMed 0.00001.
gnomAD v4.1: 2 of 1,613,652 alleles (0.00012%); highest among the groups gnomAD compares: Admixed American, 0.0033%; no homozygotes.

Submission:

Labcorp Genetics (formerly Invitae), Labcorp
Classification: Uncertain significance. Last evaluated: 2025-03-03. Review status: criteria provided, single submitter. Criteria: Invitae Variant Classification Sherloc (09022015). Collection method: clinical testing. Allele origin: germline.
Comment: This sequence change replaces proline, which is neutral and non-polar, with leucine, which is neutral and non-polar, at codon 205 of the MICAL1 protein (p.Pro205Leu). This variant is present in population databases (rs762703272, gnomAD 0.004%). This variant has not been reported in the literature in individuals affected with MICAL1-related conditions. ClinVar contains an entry for this variant (Variation ID: 1922300). An algorithm developed to predict the effect of missense changes on protein structure and function (PolyPhen-2) suggests that this variant is likely to be disruptive. In summary, the available evidence is currently insufficient to determine the role of this variant in disease. Therefore, it has been classified as a Variant of Uncertain Significance.